The following is an entry in ClinVar:

NM_001098.3(ACO2):c.2208+5G>T

Genes: ACO2 (aconitase 2; plus strand), POLR3H (RNA polymerase III subunit H; minus strand). Cytogenetic location: 22q13.2.
Variant type: single nucleotide variant.
Coding change: c.2208+5G>T on transcript NM_001098.3 (MANE Select); 5 bases into the intron after coding-DNA position 2208, G replaced by T.
Molecular consequence: intron variant. On other transcripts: 3 prime UTR variant (5).
Genome position (GRCh38, 1-based): chr22:41,528,027, G>T. VCF-style: chr22-41528027-G-T. GRCh37 (hg19) VCF-style: chr22-41924031-G-T.
Other names: c.*1256C>A (NM_001018050.4, NM_001018052.4, NM_001282884.2 and 2 more transcripts).
Identifiers: ClinVar variation 1956614 (VCV001956614.6), dbSNP rs757026291, ClinGen allele CA324583974.

ClinVar aggregate classification (germline): Uncertain significance. Review status: criteria provided, multiple submitters, no conflicts (2 of 4 stars). 2 submissions from 2 submitters: Uncertain significance (2). Last evaluated 2023-06-20.

Conditions:
Inborn genetic diseases. Identifiers: MedGen C0950123, MeSH D030342.

gnomAD v4.1: 3 of 1,614,016 alleles (0.00019%); highest among the groups gnomAD compares: African/African-American, 0.004%; no homozygotes.

Submissions (2):

Labcorp Genetics (formerly Invitae), Labcorp
Classification: Uncertain significance. Last evaluated: 2023-06-20. Review status: criteria provided, single submitter. Criteria: Invitae Variant Classification Sherloc (09022015). Collection method: clinical testing. Allele origin: germline.
Comment: This sequence change falls in intron 17 of the ACO2 gene. It does not directly change the encoded amino acid sequence of the ACO2 protein. It affects a nucleotide within the consensus splice site. This variant is not present in population databases (gnomAD no frequency). This variant has not been reported in the literature in individuals affected with ACO2-related conditions. ClinVar contains an entry for this variant (Variation ID: 1956614). Variants that disrupt the consensus splice site are a relatively common cause of aberrant splicing (PMID: 17576681, 9536098). Algorithms developed to predict the effect of sequence changes on RNA splicing suggest that this variant is not likely to affect RNA splicing. In summary, the available evidence is currently insufficient to determine the role of this variant in disease. Therefore, it has been classified as a Variant of Uncertain Significance.

Ambry Genetics
Classification: Uncertain significance for Inborn genetic diseases. Last evaluated: 2021-05-10. Review status: criteria provided, single submitter. Criteria: Ambry Variant Classification Scheme 2023. Collection method: clinical testing. Allele origin: germline.
Comment: The c.2208+5G>T intronic alteration consists of a G to T substitution nucleotides after coding exon 17 in the ACO2 gene. Based on insufficient or conflicting evidence, the clinical significance of this alteration remains unclear.

Literature cited by the submitters: PubMed 17576681 (cited by Labcorp Genetics (formerly Invitae), Labcorp); PubMed 9536098 (cited by Labcorp Genetics (formerly Invitae), Labcorp).